The following is an entry in ClinVar:

NM_032638.5(GATA2):c.598G>C (p.Gly200Arg)

Gene: GATA2 (GATA binding protein 2; minus strand). Cytogenetic location: 3q21.3.
Variant type: single nucleotide variant.
Coding change: c.598G>C on transcript NM_032638.5 (MANE Select); coding-DNA position 598, G replaced by C.
Protein change: p.Gly200Arg; replaces glycine 200 with arginine.
Molecular consequence: missense variant.
Genome position (GRCh38, 1-based): chr3:128,486,000, C>G on the plus strand (G>C on the coding strand, the complement: GATA2 is on the minus strand). VCF-style: chr3-128486000-C-G. GRCh37 (hg19) VCF-style: chr3-128204843-C-G.
Other names: c.598G>C, p.Gly200Arg (NM_001145661.2, NM_001145662.1); short protein forms G200R.
Identifiers: ClinVar variation 2675842 (VCV002675842.5), dbSNP rs1559987219, ClinGen allele CA354406446.

ClinVar aggregate classification (germline): Uncertain significance. Review status: criteria provided, multiple submitters, no conflicts (2 of 4 stars). 3 submissions from 3 submitters: Uncertain significance (3). Last evaluated 2026-03-07.

Conditions:
Acute myeloid leukemia (AML). Also called: Acute myeloid leukemia, adult; AML adult; Acute non-lymphocytic leukemia; Acute granulocytic leukemia; Leukemia, acute myelogenous, somatic; Leukemia, acute myeloid, somatic. Identifiers: Orphanet 519, MedGen C0023467, MeSH D015470, MONDO:0018874, OMIM 601626, HP:0004808. Disease mechanism: Constitutively activated FLT3.
Monocytopenia with susceptibility to infections. Also called: MONOCYTOPENIA AND MYCOBACTERIAL INFECTION SYNDROME; MONOCYTOPENIA WITH SUSCEPTIBILITY TO MYCOBACTERIAL, FUNGAL, AND PAPILLOMAVIRUS INFECTIONS AND MYELODYSPLASIA; COMBINED IMMUNODEFICIENCY WITH SUSCEPTIBILITY TO MYCOBACTERIAL, VIRAL, AND FUNGAL INFECTIONS; Dendritic cell, monocyte, B lymphocyte, and natural killer lymphocyte deficiency; GATA2 DEFICIENCY; IMMUNODEFICIENCY 21. Identifiers: Orphanet 228423, MedGen C3280030, MONDO:0013607, OMIM 614172.
Deafness-lymphedema-leukemia syndrome. Also called: Lymphedema, primary, with myelodysplasia; Emberger syndrome. Identifiers: Orphanet 3226, MedGen C3279664, MONDO:0013540, OMIM 614038.
Inborn genetic diseases. Identifiers: MedGen C0950123, MeSH D030342.

Allele frequency attached by ClinVar (database versions not stated): gnomAD exomes below 0.00001.
gnomAD v4.1: 1 of 1,614,172 alleles (0.000062%); highest among the groups gnomAD compares: Middle Eastern, 0.016%; no homozygotes.

Submissions (3):

Ambry Genetics
Classification: Uncertain significance for Inborn genetic diseases. Last evaluated: 2026-03-07. Review status: criteria provided, single submitter. Criteria: Ambry Variant Classification Scheme 2023. Collection method: clinical testing. Allele origin: germline.
Comment: The p.G200R variant (also known as c.598G>C), located in coding exon 2 of the GATA2 gene, results from a G to C substitution at nucleotide position 598. The glycine at codon 200 is replaced by arginine, an amino acid with dissimilar properties. This amino acid position is conserved. In addition, the in silico prediction for this alteration is inconclusive. Based on the available evidence, the clinical significance of this variant remains unclear.

Labcorp Genetics (formerly Invitae), Labcorp
Classification: Uncertain significance for Monocytopenia with susceptibility to infections; Deafness-lymphedema-leukemia syndrome. Last evaluated: 2025-03-31. Review status: criteria provided, single submitter. Criteria: Invitae Variant Classification Sherloc (09022015). Collection method: clinical testing. Allele origin: germline.
Comment: This sequence change replaces glycine, which is neutral and non-polar, with arginine, which is basic and polar, at codon 200 of the GATA2 protein (p.Gly200Arg). This variant is not present in population databases (gnomAD no frequency). This variant has not been reported in the literature in individuals affected with GATA2-related conditions. ClinVar contains an entry for this variant (Variation ID: 2675842). Invitae Evidence Modeling of protein sequence and biophysical properties (such as structural, functional, and spatial information, amino acid conservation, physicochemical variation, residue mobility, and thermodynamic stability) has been performed for this missense variant. However, the output from this modeling did not meet the statistical confidence thresholds required to predict the impact of this variant on GATA2 protein function. In summary, the available evidence is currently insufficient to determine the role of this variant in disease. Therefore, it has been classified as a Variant of Uncertain Significance.

Baylor Genetics
Classification: Uncertain significance for Acute myeloid leukemia. Last evaluated: 2023-08-05. Review status: criteria provided, single submitter. Criteria: ACMG Guidelines, 2015. Collection method: clinical testing. Allele origin: unknown.